The following is an entry in ClinVar:

NM_000448.2(RAG1):c.[1871G>A;2182T>C]

Variant type: Haplotype.
Identifiers: ClinVar variation 624579 (VCV000624579.3).

ClinVar aggregate classification (germline): Pathogenic (0 of 4 stars; one submission).

Conditions:
Combined immunodeficiency with skin granulomas. Identifiers: Orphanet 157949, MedGen C2673536, MONDO:0009306, OMIM 233650.

Submission:

Laboratory of Pediatric Immunoinfectivology, Tor Vergata University
Classification: Pathogenic for Combined immunodeficiency with skin granulomas. Last evaluated: 2019-02-28. Review status: no assertion criteria provided. Collection method: clinical testing. Allele origin: germline. Affected: yes.
Comment: Agammagobulinemia T+, B-, NK+, reduced IgM, IgG and IgA; CHRONIC EBV VIREMIA,

RAG1base: R0102

Literature cited by the submitters: PubMed 27713031; DOI 10.3389/fimmu.2019.00316.